The following is an entry in ClinVar:

ClinVar aggregate classification (germline): Uncertain significance. Review status: criteria provided, multiple submitters, no conflicts (2 of 4 stars). 4 submissions from 4 submitters: Uncertain significance (4). Last evaluated 2025-08-12.

Conditions:
Aortic aneurysm, familial thoracic 7 (AAT7). Also called: AORTIC DISSECTION, FAMILIAL, WITH OR WITHOUT AORTIC ANEURYSM. Identifiers: MedGen C3151077, MONDO:0013418, OMIM 613780.
Megacystis-microcolon-intestinal hypoperistalsis syndrome 1. Identifiers: MedGen C5542316, MONDO:0100354, OMIM 249210.
Familial thoracic aortic aneurysm and aortic dissection (TAAD). Also called: Thoracic aortic aneurysms and dissections. Identifiers: Orphanet 91387, MedGen C4707243, MONDO:0019625.

Allele frequency attached by ClinVar (database versions not stated): ExAC 0.00001; gnomAD 0.00001; gnomAD exomes 0.00001; TOPMed 0.00001; ESP Exome Variant Server 0.00008.
gnomAD v4.1: 8 of 1,613,954 alleles (0.0005%); highest among the groups gnomAD compares: Non-Finnish European, 0.00068%; no homozygotes.

Submissions (4):

Ambry Genetics
Classification: Uncertain significance for Familial thoracic aortic aneurysm and aortic dissection. Last evaluated: 2025-08-12. Review status: criteria provided, single submitter. Criteria: Ambry Variant Classification Scheme 2023. Collection method: clinical testing. Allele origin: germline.
Comment: The p.C805W variant (also known as c.2415C>G), located in coding exon 14 of the MYLK gene, results from a C to G substitution at nucleotide position 2415. The cysteine at codon 805 is replaced by tryptophan, an amino acid with highly dissimilar properties. This amino acid position is conserved. In addition, the in silico prediction for this alteration is inconclusive. Since supporting evidence is limited at this time, the clinical significance of this alteration remains unclear.

Labcorp Genetics (formerly Invitae), Labcorp
Classification: Uncertain significance for Aortic aneurysm, familial thoracic 7. Last evaluated: 2025-06-17. Review status: criteria provided, single submitter. Criteria: Invitae Variant Classification Sherloc (09022015). Collection method: clinical testing. Allele origin: germline.
Comment: This sequence change replaces cysteine, which is neutral and slightly polar, with tryptophan, which is neutral and slightly polar, at codon 805 of the MYLK protein (p.Cys805Trp). This variant is present in population databases (rs372019566, gnomAD 0.002%). This variant has not been reported in the literature in individuals affected with MYLK-related conditions. ClinVar contains an entry for this variant (Variation ID: 861522). Invitae Evidence Modeling of protein sequence and biophysical properties (such as structural, functional, and spatial information, amino acid conservation, physicochemical variation, residue mobility, and thermodynamic stability) indicates that this missense variant is not expected to disrupt MYLK protein function with a negative predictive value of 80%. In summary, the available evidence is currently insufficient to determine the role of this variant in disease. Therefore, it has been classified as a Variant of Uncertain Significance.

GeneDx
Classification: Uncertain significance. Last evaluated: 2024-10-02. Review status: criteria provided, single submitter. Criteria: GeneDx Variant Classification Process June 2021. Collection method: clinical testing. Allele origin: germline. Affected: yes.
Comment: Has not been previously published as pathogenic or benign to our knowledge; Not observed at significant frequency in large population cohorts (gnomAD); In silico analysis supports that this missense variant has a deleterious effect on protein structure/function

Fulgent Genetics
Classification: Uncertain significance for Megacystis-microcolon-intestinal hypoperistalsis syndrome 1; Aortic aneurysm, familial thoracic 7. Last evaluated: 2021-09-01. Review status: criteria provided, single submitter. Criteria: ACMG Guidelines, 2015. Collection method: clinical testing. Allele origin: unknown.

NM_053025.4(MYLK):c.2415C>G (p.Cys805Trp)

Gene: MYLK (myosin light chain kinase; minus strand). Cytogenetic location: 3q21.1.
Variant type: single nucleotide variant.
Coding change: c.2415C>G on transcript NM_053025.4 (MANE Select); coding-DNA position 2415, C replaced by G.
Protein change: p.Cys805Trp; replaces cysteine 805 with tryptophan.
Molecular consequence: missense variant.
Genome position (GRCh38, 1-based): chr3:123,701,485, G>C on the plus strand (C>G on the coding strand, the complement: MYLK is on the minus strand). VCF-style: chr3-123701485-G-C. GRCh37 (hg19) VCF-style: chr3-123420332-G-C.
Other names: c.1887C>G, p.Cys629Trp (NM_001321309.2); c.2208C>G, p.Cys736Trp (NM_053026.4, NM_053028.4); c.2415C>G, p.Cys805Trp (NM_053027.4); short protein forms C629W, C805W, C736W.
Identifiers: ClinVar variation 861522 (VCV000861522.17), dbSNP rs372019566, ClinGen allele CA068535.